The following is an entry in ClinVar:

NM_018127.7(ELAC2):c.560-293G>A

Gene: ELAC2 (elaC ribonuclease Z 2; minus strand). Cytogenetic location: 17p12.
Variant type: single nucleotide variant.
Coding change: c.560-293G>A on transcript NM_018127.7 (MANE Select); 293 bases into the intron before coding-DNA position 560, G replaced by A.
Molecular consequence: intron variant.
Genome position (GRCh38, 1-based): chr17:13,012,075, C>T on the plus strand (G>A on the coding strand, the complement: ELAC2 is on the minus strand). VCF-style: chr17-13012075-C-T. GRCh37 (hg19) VCF-style: chr17-12915392-C-T.
Other names: NC_000017.10:g.12915392C>T; c.559+1132G>A (NM_001165962.2); c.560-293G>A (NM_173717.2).
Identifiers: ClinVar variation 673112 (VCV000673112.2), dbSNP rs72815149, ClinGen allele CA288063322.
Genomic context (GRCh38, chr17:13,012,075, plus strand): 5'-ACAACGTGTTATCTAAACAGCATGTGGGTTGTAGACATGCTTATTTATTATCATCACTCC[C>T]GCTAAAACACATAGACCCAAAGGGTACCTATCTCAAGAAGGAGCCTCATTTTACATTTAG-3'

ClinVar aggregate classification (germline): Likely benign (1 of 4 stars; one submission).

Allele frequency attached by ClinVar (database versions not stated): 1000 Genomes Project 0.02436; 1000 Genomes Project 30x 0.02483; gnomAD 0.03092 and 0.03088; TOPMed 0.03168.

Submissions (5):

GeneDx
Classification: Likely benign. Last evaluated: 2018-06-14. Review status: criteria provided, single submitter. Criteria: GeneDx Variant Classification (06012015). Collection method: clinical testing. Allele origin: germline. Affected: yes.
Comment: This variant is considered likely benign or benign based on one or more of the following criteria: it is a conservative change, it occurs at a poorly conserved position in the protein, it is predicted to be benign by multiple in silico algorithms, and/or has population frequency not consistent with disease.

Dr. Peter K. Rogan Lab, Western University
No classification provided (evidence only). Condition: Sarcoma. Review status: no classification provided. Collection method: in vitro. Allele origin: not applicable. Functional consequence: retained intron. Not counted in ClinVar's aggregate classification.

Dr. Peter K. Rogan Lab, Western University
No classification provided (evidence only). Condition: Sarcoma. Review status: no classification provided. Collection method: in vitro. Allele origin: not applicable. Functional consequence: retained intron. Not counted in ClinVar's aggregate classification.

Dr. Peter K. Rogan Lab, Western University
No classification provided (evidence only). Condition: Ovarian serous cystadenocarcinoma. Review status: no classification provided. Collection method: in vitro. Allele origin: not applicable. Functional consequence: retained intron. Not counted in ClinVar's aggregate classification.

Dr. Peter K. Rogan Lab, Western University
No classification provided (evidence only). Condition: Malignant tumor of esophagus. Review status: no classification provided. Collection method: in vitro. Allele origin: not applicable. Functional consequence: retained intron. Not counted in ClinVar's aggregate classification.